The following is an entry in ClinVar:

NM_004586.3(RPS6KA3):c.1661C>T (p.Pro554Leu)

Gene: RPS6KA3 (ribosomal protein S6 kinase A3; minus strand). Cytogenetic location: Xp22.12.
Variant type: single nucleotide variant.
Coding change: c.1661C>T on transcript NM_004586.3 (MANE Select); coding-DNA position 1661, C replaced by T.
Protein change: p.Pro554Leu; replaces proline 554 with leucine.
Molecular consequence: missense variant.
Genome position (GRCh38, 1-based): chrX:20,165,002, G>A on the plus strand (C>T on the coding strand, the complement: RPS6KA3 is on the minus strand). VCF-style: chrX-20165002-G-A. GRCh37 (hg19) VCF-style: chrX-20183120-G-A.
Other names: short protein forms P554L.
Identifiers: ClinVar variation 1254002 (VCV001254002.7), dbSNP rs2148643592, ClinGen allele CA412514224.

ClinVar aggregate classification (germline): Conflicting classifications of pathogenicity. Review status: criteria provided, conflicting classifications (1 of 4 stars). 2 submissions from 2 submitters: Pathogenic (1); Uncertain significance (1). Last evaluated 2026-01-30.

Conditions:
Intellectual developmental disorder, X-linked 19. Also called: Intellectual disability, X-linked 19. Identifiers: Orphanet 777, MedGen C0796225, MONDO:0010447, OMIM 300844.
Coffin-Lowry syndrome (CLS). Also called: Mental retardation with osteocartilaginous abnormalities; COFFIN-LOWRY SYNDROME, MILD. Identifiers: Orphanet 192, MedGen C0265252, MONDO:0010561, OMIM 303600.

Submissions (2):

GeneDx
Classification: Pathogenic. Last evaluated: 2026-01-30. Review status: criteria provided, single submitter. Criteria: GeneDx Variant Classification Process June 2021. Collection method: clinical testing. Allele origin: germline. Affected: yes.
Comment: Not observed at significant frequency in large population cohorts (gnomAD); In silico analysis supports that this missense variant has a deleterious effect on protein structure/function; Has not been previously published as pathogenic or benign to our knowledge

Labcorp Genetics (formerly Invitae), Labcorp
Classification: Uncertain significance for Coffin-Lowry syndrome; Intellectual developmental disorder, X-linked 19. Last evaluated: 2024-04-29. Review status: criteria provided, single submitter. Criteria: Invitae Variant Classification Sherloc (09022015). Collection method: clinical testing. Allele origin: germline.
Comment: This sequence change replaces proline, which is neutral and non-polar, with leucine, which is neutral and non-polar, at codon 554 of the RPS6KA3 protein (p.Pro554Leu). This variant is not present in population databases (gnomAD no frequency). This variant has not been reported in the literature in individuals affected with RPS6KA3-related conditions. ClinVar contains an entry for this variant (Variation ID: 1254002). An algorithm developed to predict the effect of missense changes on protein structure and function (PolyPhen-2) suggests that this variant is likely to be tolerated. In summary, the available evidence is currently insufficient to determine the role of this variant in disease. Therefore, it has been classified as a Variant of Uncertain Significance.